The following is an entry in ClinVar:

NM_005085.4(NUP214):c.896C>T (p.Thr299Met)

Gene: NUP214 (nucleoporin 214; plus strand). Cytogenetic location: 9q34.13.
Variant type: single nucleotide variant.
Coding change: c.896C>T on transcript NM_005085.4 (MANE Select); coding-DNA position 896, C replaced by T.
Protein change: p.Thr299Met; replaces threonine 299 with methionine.
Molecular consequence: missense variant.
Genome position (GRCh38, 1-based): chr9:131,134,962, C>T. VCF-style: chr9-131134962-C-T. GRCh37 (hg19) VCF-style: chr9-134010349-C-T.
Other names: c.896C>T, p.Thr299Met (NM_001318324.2); short protein forms T299M.
Identifiers: ClinVar variation 3371523 (VCV003371523.1).
Genomic context (GRCh38, chr9:131,134,962, plus strand): 5'-AAGAAGAAAAGCACCCAGAGATATTTGTGAACTTTATGGAGCCCTGTTATGGCAGCTGCA[C>T]GGAGAGACAGCATCATTACTACCTCAGTTACATTGAGGAATGGTGAGCAGAGAGTCTGGA-3'
Protein context (NP_005076.3, residues 289-309): NFMEPCYGSC[Thr299Met]ERQHHYYLSY

ClinVar aggregate classification (germline): Uncertain significance (1 of 4 stars; one submission).

gnomAD v4.1: 93 of 1,613,704 alleles (0.0058%); highest among the groups gnomAD compares: African/African-American, 0.04%; no homozygotes.

Submission:

GeneDx
Classification: Uncertain significance. Last evaluated: 2024-03-24. Review status: criteria provided, single submitter. Criteria: GeneDx Variant Classification Process June 2021. Collection method: clinical testing. Allele origin: germline. Affected: yes.
Comment: In silico analysis supports that this missense variant has a deleterious effect on protein structure/function; Has not been previously published as pathogenic or benign to our knowledge